The following is an entry in ClinVar:

NM_020738.4(KIDINS220):c.295C>T (p.His99Tyr)

Gene: KIDINS220 (kinase D interacting substrate 220; minus strand). Cytogenetic location: 2p25.1.
Variant type: single nucleotide variant.
Coding change: c.295C>T on transcript NM_020738.4 (MANE Select); coding-DNA position 295, C replaced by T.
Protein change: p.His99Tyr; replaces histidine 99 with tyrosine.
Molecular consequence: missense variant. On other transcripts: non-coding transcript variant (2).
Genome position (GRCh38, 1-based): chr2:8,817,629, G>A on the plus strand (C>T on the coding strand, the complement: KIDINS220 is on the minus strand). VCF-style: chr2-8817629-G-A. GRCh37 (hg19) VCF-style: chr2-8957759-G-A.
Other names: c.295C>T, p.His99Tyr (NM_001348729.2, NM_001348731.2, NM_001348732.2 and 9 more transcripts); c.169C>T, p.His57Tyr (NM_001348736.2); short protein forms H99Y, H57Y.
Identifiers: ClinVar variation 4987992 (VCV004987992.1).

ClinVar aggregate classification (germline): Uncertain significance (1 of 4 stars; one submission).

Conditions:
KIDINS220-related disorder. Also called: KIDINS220-related condition.

gnomAD v4.1: 5 of 1,597,696 alleles (0.00031%); highest among the groups gnomAD compares: Middle Eastern, 0.017%; no homozygotes.

Submission:

PreventionGenetics, part of Exact Sciences
Classification: Uncertain significance for KIDINS220-related condition. Last evaluated: 2025-04-03. Review status: criteria provided, single submitter. Criteria: ACMG Guidelines, 2015. Collection method: clinical testing. Allele origin: germline.
Comment: The KIDINS220 c.295C>T variant is predicted to result in the amino acid substitution p.His99Tyr. To our knowledge, this variant has not been reported in the literature or in gnomAD, indicating that this variant is rare. At this time, the clinical significance of this variant is uncertain due to the absence of conclusive functional and genetic evidence.